The following is an entry in ClinVar:

NM_000501.4(ELN):c.917C>T (p.Ala306Val)

Gene: ELN (elastin; plus strand). Cytogenetic location: 7q11.23.
Variant type: single nucleotide variant.
Coding change: c.917C>T on transcript NM_000501.4 (MANE Select); coding-DNA position 917, C replaced by T.
Protein change: p.Ala306Val; replaces alanine 306 with valine.
Molecular consequence: missense variant.
Genome position (GRCh38, 1-based): chr7:74,051,951, C>T. VCF-style: chr7-74051951-C-T. GRCh37 (hg19) VCF-style: chr7-73466281-C-T.
Other names: c.887C>T, p.Ala296Val (NM_001081752.3, NM_001278917.2); c.932C>T, p.Ala311Val (NM_001081753.3, NM_001081754.3); c.917C>T, p.Ala306Val (NM_001081755.3, NM_001278912.2, NM_001278915.2 and 1 more transcripts); c.809C>T, p.Ala270Val (NM_001278913.2); c.902C>T, p.Ala301Val (NM_001278914.2); c.875C>T, p.Ala292Val (NM_001278916.2); c.785C>T, p.Ala262Val (NM_001278918.2); c.917C>T (NM_000501.2); short protein forms A270V, A306V, A311V, A292V, A296V, A301V, A262V.
Identifiers: ClinVar variation 2762124 (VCV002762124.4), dbSNP rs782030982, ClinGen allele CA367871348.

ClinVar aggregate classification (germline): Uncertain significance. Review status: criteria provided, multiple submitters, no conflicts (2 of 4 stars). 2 submissions from 2 submitters: Uncertain significance (2). Last evaluated 2023-12-07.

Conditions:
Supravalvar aortic stenosis (SVAS). Also called: Supravalvar aortic stenosis, Eisenberg type. Identifiers: Orphanet 3193, MedGen C0003499, MONDO:0008504, OMIM 185500, HP:0004381.

Submissions (2):

Labcorp Genetics (formerly Invitae), Labcorp
Classification: Uncertain significance for Supravalvar aortic stenosis. Last evaluated: 2023-12-07. Review status: criteria provided, single submitter. Criteria: Invitae Variant Classification Sherloc (09022015). Collection method: clinical testing. Allele origin: germline.
Comment: This sequence change replaces alanine, which is neutral and non-polar, with valine, which is neutral and non-polar, at codon 306 of the ELN protein (p.Ala306Val). This variant is not present in population databases (gnomAD no frequency). This variant has not been reported in the literature in individuals affected with ELN-related conditions. Experimental studies and prediction algorithms are not available or were not evaluated, and the functional significance of this variant is currently unknown. In summary, the available evidence is currently insufficient to determine the role of this variant in disease. Therefore, it has been classified as a Variant of Uncertain Significance.

GeneDx
Classification: Uncertain significance. Last evaluated: 2023-11-09. Review status: criteria provided, single submitter. Criteria: GeneDx Variant Classification Process June 2021. Collection method: clinical testing. Allele origin: germline. Affected: yes.
Comment: Not observed at significant frequency in large population cohorts (gnomAD); In silico analysis supports that this missense variant has a deleterious effect on protein structure/function; Has not been previously published as pathogenic or benign to our knowledge